The following is an entry in ClinVar:

ClinVar aggregate classification (germline): Uncertain significance (1 of 4 stars; one submission).

Conditions:
Intellectual developmental disorder, autosomal dominant 6, with or without seizures. Also called: Intellectual disability, autosomal dominant 6; GRIN2B-related developmental delay, intellectual disability and autism spectrum disorder. Identifiers: Orphanet 589547, MedGen C3151411, MONDO:0013509, OMIM 613970.
Developmental and epileptic encephalopathy, 27 (DEE27). Also called: Epileptic encephalopathy, early infantile, 27; GRIN2B-Related Neurodevelopmental Disorder. Identifiers: Orphanet 3451, MedGen C4015316, MONDO:0014505, OMIM 616139.

Submission:

Labcorp Genetics (formerly Invitae), Labcorp
Classification: Uncertain significance for Developmental and epileptic encephalopathy, 27; Intellectual developmental disorder, autosomal dominant 6, with or without seizures. Last evaluated: 2021-03-26. Review status: criteria provided, single submitter. Criteria: Invitae Variant Classification Sherloc (09022015). Collection method: clinical testing. Allele origin: germline.
Comment: This variant is not present in population databases (ExAC no frequency). This variant, c.2884_2886del, results in the deletion of 1 amino acid(s) of the GRIN2B protein (p.Tyr962del), but otherwise preserves the integrity of the reading frame. This variant has not been reported in the literature in individuals with GRIN2B-related conditions. In summary, the available evidence is currently insufficient to determine the role of this variant in disease. Therefore, it has been classified as a Variant of Uncertain Significance. Experimental studies and prediction algorithms are not available or were not evaluated, and the functional significance of this variant is currently unknown.

NM_000834.5(GRIN2B):c.2884_2886del (p.Tyr962del)

Gene: GRIN2B (glutamate ionotropic receptor NMDA type subunit 2B; minus strand). Cytogenetic location: 12p13.1.
Variant type: Deletion.
Coding change: c.2884_2886del on transcript NM_000834.5 (MANE Select); coding-DNA positions 2884 to 2886, 3 bases deleted (TAC; older notation c.2884_2886delTAC).
Protein change: p.Tyr962del; deletes tyrosine 962.
Molecular consequence: inframe deletion.
Genome position (GRCh38, 1-based): chr12:13,564,352-13,564,354, GTA deleted on the plus strand (TAC on the coding strand, the reverse complement: GRIN2B is on the minus strand); deleting any 3 consecutive bases within chr12:13,564,352-13,564,356 gives the same sequence; the c. name uses the placement nearest the transcript's 3' end. VCF-style (leftmost placement, unchanged base first): chr12-13564351-TGTA-T. GRCh37 (hg19) VCF-style: chr12-13717285-TGTA-T.
Other names: short protein forms Y962del.
Identifiers: ClinVar variation 1460533 (VCV001460533.8), dbSNP rs2136405960, ClinGen allele CA2573147927.
Genomic context (GRCh38, chr12:13,564,351, plus strand): 5'-CTTGGTACACGTTGCTGTCCTTCAGCTGCAGGTTCCCGAACGTTCTCTCTACCTCACTGA[TGTA>T]GTCACTGAAGAGGTTCTCCTCACAGGGCGGGTTGTTGTAGGATTTGCAGTCAGAATGCGT-3'